The following is an entry in ClinVar:

ClinVar aggregate classification (germline): Uncertain significance. Review status: criteria provided, multiple submitters, no conflicts (2 of 4 stars). 2 submissions from 2 submitters: Uncertain significance (2). Last evaluated 2024-06-27.

Conditions:
Autoimmune lymphoproliferative syndrome type 2A (ALPS2A). Also called: CASP10-Related Autoimmune Lymphoproliferative Syndrome; Autoimmune lymphoproliferative syndrome type 2; AUTOIMMUNE LYMPHOPROLIFERATIVE SYNDROME, TYPE IIA. Identifiers: Orphanet 3261, MedGen C1858968, MONDO:0011383, OMIM 603909.

Allele frequency attached by ClinVar (database versions not stated): gnomAD exomes below 0.00001.
gnomAD v4.1: 6 of 1,610,826 alleles (0.00037%); highest among the groups gnomAD compares: Non-Finnish European, 0.00042%; no homozygotes.

Submissions (2):

Blueprint Genetics
Classification: Uncertain significance. Last evaluated: 2024-06-27. Review status: criteria provided, single submitter. Criteria: ACMG Guidelines, 2015. Collection method: clinical testing. Allele origin: germline.

Labcorp Genetics (formerly Invitae), Labcorp
Classification: Uncertain significance for Autoimmune lymphoproliferative syndrome type 2A. Last evaluated: 2022-10-21. Review status: criteria provided, single submitter. Criteria: Invitae Variant Classification Sherloc (09022015). Collection method: clinical testing. Allele origin: germline.
Comment: This variant is not present in population databases (gnomAD no frequency). In summary, the available evidence is currently insufficient to determine the role of this variant in disease. Therefore, it has been classified as a Variant of Uncertain Significance. Variants that disrupt the consensus splice site are a relatively common cause of aberrant splicing (PMID: 17576681, 9536098). Algorithms developed to predict the effect of sequence changes on RNA splicing suggest that this variant may disrupt the consensus splice site. ClinVar contains an entry for this variant (Variation ID: 954828). This variant has not been reported in the literature in individuals affected with CASP10-related conditions. This sequence change falls in intron 9 of the CASP10 gene. It does not directly change the encoded amino acid sequence of the CASP10 protein. It affects a nucleotide within the consensus splice site.

Literature cited by the submitters: PubMed 17576681 (cited by Labcorp Genetics (formerly Invitae), Labcorp); PubMed 9536098 (cited by Labcorp Genetics (formerly Invitae), Labcorp).

NM_032977.4(CASP10):c.1416-3C>A

Gene: CASP10 (caspase 10; plus strand). Cytogenetic location: 2q33.1.
Variant type: single nucleotide variant.
Coding change: c.1416-3C>A on transcript NM_032977.4 (MANE Select); 3 bases into the intron before coding-DNA position 1416, C replaced by A.
Molecular consequence: intron variant.
Genome position (GRCh38, 1-based): chr2:201,217,585, C>A. VCF-style: chr2-201217585-C-A. GRCh37 (hg19) VCF-style: chr2-202082308-C-A.
Other names: c.1415+8023C>A (NM_032974.5); c.1286+8023C>A (NM_001206542.2); c.*502-3C>A (NM_032976.4); c.1215-3C>A (NM_001206524.2); c.1287-3C>A (NM_001230.5).
Identifiers: ClinVar variation 954828 (VCV000954828.11), dbSNP rs1945611761, ClinGen allele CA430626839.